The following is an entry in ClinVar:

NM_024496.4(IRF2BPL):c.731G>A (p.Gly244Asp)

Gene: IRF2BPL (interferon regulatory factor 2 binding protein like; minus strand). Cytogenetic location: 14q24.3.
Variant type: single nucleotide variant.
Coding change: c.731G>A on transcript NM_024496.4 (MANE Select); coding-DNA position 731, G replaced by A.
Protein change: p.Gly244Asp; replaces glycine 244 with aspartic acid.
Molecular consequence: missense variant.
Genome position (GRCh38, 1-based): chr14:77,027,062, C>T on the plus strand (G>A on the coding strand, the complement: IRF2BPL is on the minus strand). VCF-style: chr14-77027062-C-T. GRCh37 (hg19) VCF-style: chr14-77493405-C-T.
Other names: short protein forms G244D.
Identifiers: ClinVar variation 1690483 (VCV001690483.2), dbSNP rs559355028, ClinGen allele CA390498765.

ClinVar aggregate classification (germline): Uncertain significance (1 of 4 stars; one submission).

gnomAD v4.1: 5 of 1,584,218 alleles (0.00032%); highest among the groups gnomAD compares: East Asian, 0.0023%; no homozygotes.

Submission:

Laboratorio de Genetica e Diagnostico Molecular, Hospital Israelita Albert Einstein
Classification: Uncertain significance. Last evaluated: 2021-10-08. Review status: criteria provided, single submitter. Criteria: ACMG Guidelines, 2015. Collection method: clinical testing. Allele origin: germline. Affected: yes.
Comment: ACMG classification criteria: PM2, BP4